The following is an entry in ClinVar:

NM_017780.4(CHD7):c.5191C>T (p.Leu1731=)

Gene: CHD7 (chromodomain helicase DNA binding protein 7; plus strand). Cytogenetic location: 8q12.2.
Variant type: single nucleotide variant.
Coding change: c.5191C>T on transcript NM_017780.4 (MANE Select); coding-DNA position 5191, C replaced by T.
Protein change: p.Leu1731=; no amino-acid change (leucine 1731 retained).
Molecular consequence: synonymous variant. On other transcripts: intron variant (1).
Genome position (GRCh38, 1-based): chr8:60,845,390, C>T. VCF-style: chr8-60845390-C-T. GRCh37 (hg19) VCF-style: chr8-61757949-C-T.
Other names: c.1717-16839C>T (NM_001316690.1).
Identifiers: ClinVar variation 699939 (VCV000699939.10), dbSNP rs752330796, ClinGen allele CA4760273.

ClinVar aggregate classification (germline): Likely benign. Review status: criteria provided, single submitter (1 of 4 stars). 2 submissions from 2 submitters: Likely benign (1). 1 of the submissions does not count toward it. Last evaluated 2024-05-18.

Conditions:
CHD7-related disorder. Also called: CHD7-related condition.
CHARGE syndrome (CHARGE). Also called: Hittner Hirsch Kreh syndrome; CHARGE ASSOCIATION--COLOBOMA, HEART ANOMALY, CHOANAL ATRESIA, RETARDATION, GENITAL AND EAR ANOMALIES; Coloboma, heart anomaly, choanal atresia, retardation, genital and ear anomalies; CHARGE association; Hall-Hittner syndrome. Identifiers: Orphanet 138, MedGen C0265354, MONDO:0008965.

Allele frequency attached by ClinVar (database versions not stated): ExAC 0.00001; gnomAD 0.00001; gnomAD exomes 0.00001 and 0.00002; TOPMed 0.00001.
gnomAD v4.1: 27 of 1,613,944 alleles (0.0017%); highest among the groups gnomAD compares: Non-Finnish European, 0.0023%; no homozygotes.

Submissions (2):

Labcorp Genetics (formerly Invitae), Labcorp
Classification: Likely benign for CHARGE syndrome. Last evaluated: 2024-05-18. Review status: criteria provided, single submitter. Criteria: Invitae Variant Classification Sherloc (09022015). Collection method: clinical testing. Allele origin: germline.

PreventionGenetics, part of Exact Sciences
Classification: Likely benign for CHD7-related condition. Last evaluated: 2019-11-19. Review status: no assertion criteria provided. Collection method: clinical testing. Allele origin: germline. Not counted in ClinVar's aggregate classification.
Comment: This variant is classified as likely benign based on ACMG/AMP sequence variant interpretation guidelines (Richards et al. 2015 PMID: 25741868, with internal and published modifications).